The following is an entry in ClinVar:

ClinVar aggregate classification (germline): Uncertain significance (1 of 4 stars; one submission).

Conditions:
Atrophia bulborum hereditaria (ND). Also called: Pseudoglioma; Norrie syndrome; Norrie-Warburg syndrome; Anderson-Warburg syndrome; Fetal iritis syndrome; Norrie Disease (Classic Norrie Disease Ocular Phenotype with or without Extraocular Findings. Identifiers: Orphanet 649, MedGen C0266526, MONDO:0010691, OMIM 310600, HP:6000262.

Submission:

3billion
Classification: Uncertain significance for Atrophia bulborum hereditaria. Last evaluated: 2024-09-04. Review status: criteria provided, single submitter. Criteria: ACMG Guidelines, 2015. Collection method: clinical testing. Allele origin: germline. Affected: yes.
Comment: The variant is not observed in the gnomAD v4.0.0 dataset. Predicted Consequence/Location: Missense variant In silico tool predictions suggest damaging effect of the variant on gene or gene product [REVEL: 0.87 (>=0.6, sensitivity 0.68 and specificity 0.92); 3Cnet: 0.89 (>=0.6, sensitivity 0.72 and precision 0.9)]. A different missense change at the same codon (p.Cys39Arg) has been reported to be associated with NDP related disorder (PMID: 17296899). However the evidence of pathogenicity is insufficient at this time. Therefore, this variant is classified as VUS according to the recommendation of ACMG/AMP guideline.

Literature cited by the submitters: PubMed 17296899.

NM_000266.4(NDP):c.115T>G (p.Cys39Gly)

Genes: NDP (norrin cystine knot growth factor NDP; minus strand), NDP-AS1 (NDP antisense RNA 1; plus strand). Cytogenetic location: Xp11.3.
Variant type: single nucleotide variant.
Coding change: c.115T>G on transcript NM_000266.4 (MANE Select); coding-DNA position 115, T replaced by G.
Protein change: p.Cys39Gly; replaces cysteine 39 with glycine.
Molecular consequence: missense variant.
Genome position (GRCh38, 1-based): chrX:43,958,531, A>C on the plus strand (T>G on the coding strand, the complement: NDP is on the minus strand). VCF-style: chrX-43958531-A-C. GRCh37 (hg19) VCF-style: chrX-43817777-A-C.
Other names: short protein forms C39G.
Identifiers: ClinVar variation 4292545 (VCV004292545.1).